The following is an entry in ClinVar:

ClinVar aggregate classification (germline): Benign/Likely benign. Review status: criteria provided, multiple submitters, no conflicts (2 of 4 stars). 3 submissions from 3 submitters: Benign (2); Likely benign (1). Last evaluated 2026-05-17.

Conditions:
VWF-related disorder. Also called: VWF-related condition; VWF-related disorders.

Allele frequency attached by ClinVar (database versions not stated): ESP Exome Variant Server 0.00008; gnomAD exomes 0.00035 and 0.00138; gnomAD 0.00038 and 0.00054; TOPMed 0.00088; ExAC 0.00126; 1000 Genomes Project 30x 0.00234; 1000 Genomes Project 0.00280.
gnomAD v4.1: 595 of 1,614,120 alleles (0.037%); highest among the groups gnomAD compares: East Asian, 1.1%; 7 homozygotes.

Submissions (3):

PreventionGenetics, part of Exact Sciences
Classification: Benign for VWF-related condition. Last evaluated: 2026-05-17. Review status: criteria provided, single submitter. Criteria: ACMG Guidelines, 2015. Collection method: clinical testing. Allele origin: germline.
Comment: This variant is classified as benign based on ACMG/AMP sequence variant interpretation guidelines (Richards et al. 2015 PMID: 25741868, with internal and published modifications).

Mayo Clinic Laboratories, Mayo Clinic
Classification: Likely benign. Last evaluated: 2024-04-22. Review status: criteria provided, single submitter. Criteria: ACMG Guidelines, 2015. Collection method: clinical testing. Allele origin: germline. Observed: 3 variant alleles.
Comment: BP4, BP7

Quest Diagnostics Nichols Institute San Juan Capistrano
Classification: Benign. Last evaluated: 2023-08-24. Review status: criteria provided, single submitter. Criteria: Quest Diagnostics criteria. Collection method: clinical testing. Allele origin: unknown.

NM_000552.5(VWF):c.7362C>T (p.Thr2454=)

Gene: VWF (von Willebrand factor; minus strand). Cytogenetic location: 12p13.31.
Variant type: single nucleotide variant.
Coding change: c.7362C>T on transcript NM_000552.5 (MANE Select); coding-DNA position 7362, C replaced by T.
Protein change: p.Thr2454=; no amino-acid change (threonine 2454 retained).
Molecular consequence: synonymous variant.
Genome position (GRCh38, 1-based): chr12:5,976,186, G>A on the plus strand (C>T on the coding strand, the complement: VWF is on the minus strand). VCF-style: chr12-5976186-G-A. GRCh37 (hg19) VCF-style: chr12-6085352-G-A.
Other names: p.Thr2454=; c.7362C>T (NM_000552.4).
Identifiers: ClinVar variation 310041 (VCV000310041.8), dbSNP rs146504585, ClinGen allele CA6401694.